The following is an entry in ClinVar:

ClinVar aggregate classification (germline): Uncertain significance. Review status: criteria provided, multiple submitters, no conflicts (2 of 4 stars). 2 submissions from 2 submitters: Uncertain significance (2). Last evaluated 2024-08-01.

Conditions:
Inborn genetic diseases. Identifiers: MedGen C0950123, MeSH D030342.

Allele frequency attached by ClinVar (database versions not stated): ExAC 0.00001; gnomAD exomes 0.00001; TOPMed 0.00002; gnomAD 0.00003.
gnomAD v4.1: 20 of 1,601,692 alleles (0.0012%); highest among the groups gnomAD compares: African/African-American, 0.0027%; no homozygotes.

Submissions (2):

Ambry Genetics
Classification: Uncertain significance for Inborn genetic diseases. Last evaluated: 2024-08-01. Review status: criteria provided, single submitter. Criteria: Ambry Variant Classification Scheme 2023. Collection method: clinical testing. Allele origin: germline.

Labcorp Genetics (formerly Invitae), Labcorp
Classification: Uncertain significance. Last evaluated: 2022-08-22. Review status: criteria provided, single submitter. Criteria: Invitae Variant Classification Sherloc (09022015). Collection method: clinical testing. Allele origin: germline.
Comment: This variant has not been reported in the literature in individuals affected with PCDH12-related conditions. This variant is present in population databases (rs750804892, gnomAD 0.002%). This sequence change replaces glycine, which is neutral and non-polar, with tryptophan, which is neutral and slightly polar, at codon 13 of the PCDH12 protein (p.Gly13Trp). ClinVar contains an entry for this variant (Variation ID: 1450012). In summary, the available evidence is currently insufficient to determine the role of this variant in disease. Therefore, it has been classified as a Variant of Uncertain Significance. Advanced modeling of protein sequence and biophysical properties (such as structural, functional, and spatial information, amino acid conservation, physicochemical variation, residue mobility, and thermodynamic stability) performed at Invitae indicates that this missense variant is not expected to disrupt PCDH12 protein function.

NM_016580.4(PCDH12):c.37G>T (p.Gly13Trp)

Genes: PCDH12 (protocadherin 12; minus strand), RNF14 (ring finger protein 14; plus strand). Cytogenetic location: 5q31.3.
Variant type: single nucleotide variant.
Coding change: c.37G>T on transcript NM_016580.4 (MANE Select); coding-DNA position 37, G replaced by T.
Protein change: p.Gly13Trp; replaces glycine 13 with tryptophan.
Molecular consequence: missense variant.
Genome position (GRCh38, 1-based): chr5:141,957,815, C>A on the plus strand (G>T on the coding strand, the complement: PCDH12 is on the minus strand). VCF-style: chr5-141957815-C-A. GRCh37 (hg19) VCF-style: chr5-141337380-C-A.
Other names: c.37G>T (NM_016580.2); short protein forms G13W.
Identifiers: ClinVar variation 1450012 (VCV001450012.10), dbSNP rs750804892, ClinGen allele CA3484647.
Genomic context (GRCh38, chr5:141,957,815, plus strand): 5'-TCACCGTGAGAGTGGTCACCTCCTGACAATCCCCTAAAAGAAATAAGTAGCCACCTGGCC[C>A]CAAAAGCCCCAGCAGAAGTTGCAGAAGTTGCATCATGCTTACCGCCAAGTGGGCTAGATT-3'
Protein context (NP_057664.1, residues 3-23): QLLQLLLGLL[Gly13Trp]PGGYLFLLGD